The following is an entry in ClinVar:

NM_130837.3(OPA1):c.1459A>G (p.Ile487Val)

Gene: OPA1 (OPA1 mitochondrial dynamin like GTPase; plus strand). Cytogenetic location: 3q29.
Variant type: single nucleotide variant.
Coding change: c.1459A>G on transcript NM_130837.3 (MANE Select); coding-DNA position 1459, A replaced by G.
Protein change: p.Ile487Val; replaces isoleucine 487 with valine.
Molecular consequence: missense variant.
Genome position (GRCh38, 1-based): chr3:193,643,609, A>G. VCF-style: chr3-193643609-A-G. GRCh37 (hg19) VCF-style: chr3-193361398-A-G.
Other names: c.925A>G, p.Ile309Val (NM_001354663.2); c.922A>G, p.Ile308Val (NM_001354664.2); c.1294A>G, p.Ile432Val (NM_015560.3); c.1186A>G, p.Ile396Val (NM_130831.3); c.1240A>G, p.Ile414Val (NM_130832.3); c.1297A>G, p.Ile433Val (NM_130833.3); c.1348A>G, p.Ile450Val (NM_130834.3); c.1351A>G, p.Ile451Val (NM_130835.3); and 2 more; short protein forms I432V, I487V, I450V, I309V, I469V, I308V, I396V, I414V.
Identifiers: ClinVar variation 30460 (VCV000030460.3), dbSNP rs387906899, ClinGen allele CA129226.

ClinVar aggregate classification (germline): Likely pathogenic. Review status: criteria provided, single submitter (1 of 4 stars). 3 submissions from 3 submitters: Likely pathogenic (1). 2 of the submissions do not count toward it. Last evaluated 2022-06-24.

Conditions:
Mitochondrial disease. Also called: Mitochondrial disorder; Mitochondrial disorders. Identifiers: Orphanet 68380, MedGen C0751651, MeSH D028361, MONDO:0044970.
Optic atrophy with or without deafness, ophthalmoplegia, myopathy, ataxia, and neuropathy. Also called: OPTIC ATROPHY PLUS SYNDROME. Identifiers: MedGen C3276549, MONDO:0007429, OMIM 125250.
Autosomal dominant optic atrophy classic form (OPA1). Also called: Optic Atrophy Type 1; KJER-TYPE OPTIC ATROPHY; OPTIC ATROPHY, JUVENILE. Identifiers: Orphanet 98673, MedGen C0338508, MONDO:0008134, OMIM 165500.

Allele frequency attached by ClinVar (database versions not stated): gnomAD exomes below 0.00001.
gnomAD v4.1: 1 of 1,613,086 alleles (0.000062%); highest among the groups gnomAD compares: African/African-American, 0.0013%; no homozygotes.

Submissions (3):

Victorian Clinical Genetics Services, Murdoch Childrens Research Institute
Classification: Likely pathogenic for Autosomal dominant optic atrophy classic form. Last evaluated: 2022-06-24. Review status: criteria provided, single submitter. Criteria: ACMG Guidelines, 2015. Collection method: clinical testing. Allele origin: germline. Inheritance: Autosomal dominant inheritance. Affected: yes.
Comment: Based on the classification scheme VCGS_Germline_v1.3.4, this variant is classified as Likely pathogenic. Following criteria are met: 0102 - Loss of function is a known mechanism of disease in this gene and is associated with OPA1-related disease (OMIM). (I) 0108 - This gene is associated with both recessive and dominant disease. Truncating variants and mutations in the C-terminal domain are associated with dominant optic atrophy. Individuals carrying missense variants clustered within the GTPase domain generally develop an optic atrophy syndrome. Lastly, biallelic variants have been associated with early onset Behr syndrome (PMID: 31500643, 28494813, 25012220, 30165240). (I) 0112 - The condition associated with this gene has incomplete penetrance (PMID: 17306754). (I) 0200 - Variant is predicted to result in a missense amino acid change from isoleucine to valine. (I) 0251 - This variant is heterozygous. (I) 0301 - Variant is absent from gnomAD (both v2 and v3). (SP) 0502 - Missense variant with conflicting in silico predictions and uninformative conservation. (I) 0600 - Variant is located in the annotated GPTase domain (PMID: 20157015). (I) 0704 - An inframe deletion variant comparable to the missense variant identified in this case has limited previous evidence for pathogenicity. This variant, p.(Ile487del), has been reported in a single individual with dominant optic atrophy (PMID: 11440988). (SP) 0803 - This variant has limited previous evidence of pathogenicity in an unrelated individual. This variant has been observed in an unrelated family with mitochondrial disease, chronic progressive external ophthalmoplegia (CPEO) and/or syndromic optic atrophy (PMID: 19029523; 20157015; 24086434). (SP) 0906 - Segregation evidence for this variant is inconclusive. This variant segregated with disease in a single family, however more meioses are required for pathogenicity to be established (PMID: 19029523; 20157015). (I) 1010 - Functional evidence for this variant is inconclusive. Functional analysis of patient fibroblasts did not demonstrate an effect on mitochondrial morphology when compared to controls (PMID: 34014035). (I) 1102 - Strong phenotype match for this individual. (SP) 1208 - Inheritance information for this variant is not currently available in this individual. (I) Legend: (SP) - Supporting pathogenic, (I) - Information, (SB) - Supporting benign

Mitochondrial Research Group, Newcastle University
Classification: Pathogenic for Mitochondrial disease. Last evaluated: 2017-04-07. Review status: no assertion criteria provided. Collection method: clinical testing. Allele origin: germline. Affected: yes. Observed: 1 variant allele. Not counted in ClinVar's aggregate classification.

OMIM
Classification: Pathogenic for OPTIC ATROPHY PLUS SYNDROME. Last evaluated: 2008-11-25. Review status: no assertion criteria provided. Collection method: literature only. Allele origin: germline. Not counted in ClinVar's aggregate classification.

Literature cited by the submitters: PubMed 11440988 (cited by Victorian Clinical Genetics Services, Murdoch Childrens Research Institute); PubMed 17306754 (cited by Victorian Clinical Genetics Services, Murdoch Childrens Research Institute); PubMed 19029523 (cited by Victorian Clinical Genetics Services, Murdoch Childrens Research Institute and OMIM); PubMed 20157015 (cited by Victorian Clinical Genetics Services, Murdoch Childrens Research Institute); PubMed 24086434 (cited by Victorian Clinical Genetics Services, Murdoch Childrens Research Institute); PubMed 25012220 (cited by Victorian Clinical Genetics Services, Murdoch Childrens Research Institute); PubMed 28494813 (cited by Victorian Clinical Genetics Services, Murdoch Childrens Research Institute); PubMed 30165240 (cited by Victorian Clinical Genetics Services, Murdoch Childrens Research Institute); PubMed 31500643 (cited by Victorian Clinical Genetics Services, Murdoch Childrens Research Institute); PubMed 34014035 (cited by Victorian Clinical Genetics Services, Murdoch Childrens Research Institute); PubMed 28812649 (cited by Mitochondrial Research Group, Newcastle University).